The following is an entry in ClinVar:

NM_014956.5(CEP164):c.380C>G (p.Pro127Arg)

Gene: CEP164 (centrosomal protein 164; plus strand). Cytogenetic location: 11q23.3.
Variant type: single nucleotide variant.
Coding change: c.380C>G on transcript NM_014956.5 (MANE Select); coding-DNA position 380, C replaced by G.
Protein change: p.Pro127Arg; replaces proline 127 with arginine.
Molecular consequence: missense variant.
Genome position (GRCh38, 1-based): chr11:117,351,975, C>G. VCF-style: chr11-117351975-C-G. GRCh37 (hg19) VCF-style: chr11-117222691-C-G.
Other names: c.380C>G (NM_014956.4); c.380C>G, p.Pro127Arg (NM_001271933.2); short protein forms P127R.
Identifiers: ClinVar variation 1434234 (VCV001434234.10), dbSNP rs143659874, ClinGen allele CA6294414.

ClinVar aggregate classification (germline): Conflicting classifications of pathogenicity. Review status: criteria provided, conflicting classifications (1 of 4 stars). 5 submissions from 5 submitters: Uncertain significance (3); Likely benign (2). Last evaluated 2026-07-01.

Conditions:
Nephronophthisis 15 (NPHP15). Identifiers: Orphanet 3156, MedGen C3541853, MONDO:0013917, OMIM 614845.
CEP164-related disorder. Also called: CEP164-related condition.

Allele frequency attached by ClinVar (database versions not stated): 1000 Genomes Project 30x 0.00016.
gnomAD v4.1: 158 of 1,581,126 alleles (0.01%); highest among the groups gnomAD compares: East Asian, 0.24%; no homozygotes.

Submissions (5):

CeGaT Center for Human Genetics Tuebingen
Classification: Likely benign. Last evaluated: 2026-07-01. Review status: criteria provided, single submitter. Criteria: CeGaT Center For Human Genetics Tuebingen Variant Classification Criteria Version 2. Collection method: clinical testing. Allele origin: germline. Affected: yes. Observed: 1 variant allele.
Comment: CEP164: BP4

PreventionGenetics, part of Exact Sciences
Classification: Uncertain significance for CEP164-related condition. Last evaluated: 2025-10-13. Review status: criteria provided, single submitter. Criteria: ACMG Guidelines, 2015. Collection method: clinical testing. Allele origin: germline.
Comment: The CEP164 c.380C>G variant is predicted to result in the amino acid substitution p.Pro127Arg. To our knowledge, this variant has not been reported in the literature. This variant is reported in 0.057% of alleles in individuals of East Asian descent in gnomAD. Although we suspect that this variant may be benign, at this time, the clinical significance of this variant is uncertain due to the absence of conclusive functional and genetic evidence.

Labcorp Genetics (formerly Invitae), Labcorp
Classification: Uncertain significance for Nephronophthisis 15. Last evaluated: 2024-10-16. Review status: criteria provided, single submitter. Criteria: Invitae Variant Classification Sherloc (09022015). Collection method: clinical testing. Allele origin: germline.
Comment: This sequence change replaces proline, which is neutral and non-polar, with arginine, which is basic and polar, at codon 127 of the CEP164 protein (p.Pro127Arg). This variant is present in population databases (rs143659874, gnomAD 0.06%). This variant has not been reported in the literature in individuals affected with CEP164-related conditions. ClinVar contains an entry for this variant (Variation ID: 1434234). An algorithm developed to predict the effect of missense changes on protein structure and function (PolyPhen-2) suggests that this variant is likely to be disruptive. In summary, the available evidence is currently insufficient to determine the role of this variant in disease. Therefore, it has been classified as a Variant of Uncertain Significance.

Blueprint Genetics
Classification: Likely benign. Last evaluated: 2024-10-14. Review status: criteria provided, single submitter. Criteria: ACMG Guidelines, 2015. Collection method: clinical testing. Allele origin: germline.

Fulgent Genetics
Classification: Uncertain significance for Nephronophthisis 15. Last evaluated: 2022-04-09. Review status: criteria provided, single submitter. Criteria: ACMG Guidelines, 2015. Collection method: clinical testing. Allele origin: unknown.